The following is an entry in ClinVar:

NM_017617.5(NOTCH1):c.1669+16C>T

Gene: NOTCH1 (notch receptor 1; minus strand). Cytogenetic location: 9q34.3.
Variant type: single nucleotide variant.
Coding change: c.1669+16C>T on transcript NM_017617.5 (MANE Select); 16 bases into the intron after coding-DNA position 1669, C replaced by T.
Molecular consequence: intron variant.
Genome position (GRCh38, 1-based): chr9:136,515,965, G>A on the plus strand (C>T on the coding strand, the complement: NOTCH1 is on the minus strand). VCF-style: chr9-136515965-G-A. GRCh37 (hg19) VCF-style: chr9-139410417-G-A.
Identifiers: ClinVar variation 681054 (VCV000681054.2), dbSNP rs374716081, ClinGen allele CA5341685.

ClinVar aggregate classification (germline): Likely benign. Review status: criteria provided, multiple submitters, no conflicts (2 of 4 stars). 2 submissions from 2 submitters: Likely benign (2). Last evaluated 2023-10-04.

Allele frequency attached by ClinVar (database versions not stated): gnomAD exomes below 0.00001; ExAC 0.00001; ESP Exome Variant Server 0.00008.

Submissions (2):

Blueprint Genetics
Classification: Likely benign. Last evaluated: 2023-10-04. Review status: criteria provided, single submitter. Criteria: ACMG Guidelines, 2015. Collection method: clinical testing. Allele origin: germline.

GeneDx
Classification: Likely benign. Last evaluated: 2018-03-27. Review status: criteria provided, single submitter. Criteria: GeneDx Variant Classification (06012015). Collection method: clinical testing. Allele origin: germline. Affected: yes.
Comment: This variant is considered likely benign or benign based on one or more of the following criteria: it is a conservative change, it occurs at a poorly conserved position in the protein, it is predicted to be benign by multiple in silico algorithms, and/or has population frequency not consistent with disease.